The following is an entry in ClinVar:

ClinVar aggregate classification (germline): Uncertain significance. Review status: criteria provided, multiple submitters, no conflicts (2 of 4 stars). 2 submissions from 2 submitters: Uncertain significance (2). Last evaluated 2021-09-01.

Conditions:
Epidermolysis bullosa simplex with nail dystrophy (EBS5D). Identifiers: MedGen C4225309, MONDO:0014661, OMIM 616487.
Epidermolysis bullosa simplex, Ogna type (EBS5A). Also called: Pidermolysis bullosa simplex 5A, Ogna type; EPIDERMOLYSIS BULLOSA SIMPLEX 5A, OGNA TYPE. Identifiers: Orphanet 79401, MedGen C0432317, MONDO:0007555, OMIM 131950.
Autosomal recessive limb-girdle muscular dystrophy type 2Q (LGMDR17). Also called: MUSCULAR DYSTROPHY, LIMB-GIRDLE, AUTOSOMAL RECESSIVE 17. Identifiers: Orphanet 254361, MedGen C3150989, MONDO:0013390, OMIM 613723.
Epidermolysis bullosa simplex 5C, with pyloric atresia (EBS5C). Also called: PLEC-Related Epidermolysis Bullosa with Pyloric Atresia; Epidermolysis bullosa simplex with pyloric atresia; PLEC1-Related Epidermolysis Bullosa with Pyloric Atresia. Identifiers: Orphanet 158684, MedGen C2677349, MONDO:0012807, OMIM 612138.
Epidermolysis bullosa simplex 5B, with muscular dystrophy (EBS5B). Also called: EPIDERMOLYSIS BULLOSA SIMPLEX AND LIMB-GIRDLE MUSCULAR DYSTROPHY; Epidermolysis bullosa simplex with muscular dystrophy. Identifiers: Orphanet 257, MedGen C2931072, MONDO:0009181, OMIM 226670.

Allele frequency attached by ClinVar (database versions not stated): TOPMed below 0.00001; gnomAD 0.00001 and 0.00003; gnomAD exomes 0.00001; ESP Exome Variant Server 0.00008.
gnomAD v4.1: 13 of 1,589,832 alleles (0.00082%); highest among the groups gnomAD compares: South Asian, 0.0068%; no homozygotes.

Submissions (2):

Labcorp Genetics (formerly Invitae), Labcorp
Classification: Uncertain significance for Autosomal recessive limb-girdle muscular dystrophy type 2Q; Epidermolysis bullosa simplex, Ogna type; Epidermolysis bullosa simplex with nail dystrophy; Epidermolysis bullosa simplex 5C, with pyloric atresia; Epidermolysis bullosa simplex 5B, with muscular dystrophy. Last evaluated: 2021-09-01. Review status: criteria provided, single submitter. Criteria: Invitae Variant Classification Sherloc (09022015). Collection method: clinical testing. Allele origin: germline.
Comment: This sequence change replaces glutamic acid with lysine at codon 514 of the PLEC protein (p.Glu514Lys). The glutamic acid residue is highly conserved and there is a small physicochemical difference between glutamic acid and lysine. This variant is not present in population databases (ExAC no frequency). This variant has not been reported in the literature in individuals affected with PLEC-related conditions. Algorithms developed to predict the effect of missense changes on protein structure and function are either unavailable or do not agree on the potential impact of this missense change (SIFT: "Deleterious"; PolyPhen-2: "Not Available"; Align-GVGD: "Class C55"). In summary, the available evidence is currently insufficient to determine the role of this variant in disease. Therefore, it has been classified as a Variant of Uncertain Significance.

Revvity Omics, Revvity
Classification: Uncertain significance. Last evaluated: 2020-02-18. Review status: criteria provided, single submitter. Criteria: ACMG Guidelines, 2015. Collection method: clinical testing. Allele origin: germline.

NM_201384.3(PLEC):c.1459G>A (p.Glu487Lys)

Gene: PLEC (plectin; minus strand). Cytogenetic location: 8q24.3.
Variant type: single nucleotide variant.
Coding change: c.1459G>A on transcript NM_201384.3 (MANE Select); coding-DNA position 1459, G replaced by A.
Protein change: p.Glu487Lys; replaces glutamic acid 487 with lysine.
Molecular consequence: missense variant.
Genome position (GRCh38, 1-based): chr8:143,933,071, C>T on the plus strand (G>A on the coding strand, the complement: PLEC is on the minus strand). VCF-style: chr8-143933071-C-T. GRCh37 (hg19) VCF-style: chr8-145007239-C-T.
Other names: c.1540G>A (NM_000445.3); c.1540G>A, p.Glu514Lys (NM_000445.5); c.1417G>A, p.Glu473Lys (NM_201378.4); c.1393G>A, p.Glu465Lys (NM_201379.3); c.1870G>A, p.Glu624Lys (NM_201380.4); c.1363G>A, p.Glu455Lys (NM_201381.3); c.1459G>A, p.Glu487Lys (NM_201382.4); c.1471G>A, p.Glu491Lys (NM_201383.3); short protein forms E465K, E514K, E624K, E455K, E473K, E487K, E491K.
Identifiers: ClinVar variation 478629 (VCV000478629.6), dbSNP rs371046649, ClinGen allele CA187622210.
Genomic context (GRCh38, chr8:143,933,071, plus strand): 5'-TCACCTGGGCCACCTGGGTTGCAGGGGCCGCCACGCCTGCCTTCAGCCGTAGGTTGTACT[C>T]GGTGCGGATGGCTACCAGGCGCTCGTGCAGACGGTACACCCTGGGGCAGCAGAGGACTCA-3'
Protein context (NP_958786.1, residues 477-497): LHERLVAIRT[Glu487Lys]YNLRLKAGVA